The following is an entry in ClinVar:

ClinVar aggregate classification (germline): Uncertain significance (1 of 4 stars; one submission).

Allele frequency attached by ClinVar (database versions not stated): gnomAD exomes below 0.00001; gnomAD 0.00001.
gnomAD v4.1: 3 of 1,613,438 alleles (0.00019%); highest among the groups gnomAD compares: Non-Finnish European, 0.00025%; no homozygotes.

Submission:

Labcorp Genetics (formerly Invitae), Labcorp
Classification: Uncertain significance. Last evaluated: 2024-12-02. Review status: criteria provided, single submitter. Criteria: Invitae Variant Classification Sherloc (09022015). Collection method: clinical testing. Allele origin: germline.
Comment: This sequence change replaces valine, which is neutral and non-polar, with glutamic acid, which is acidic and polar, at codon 114 of the ATP6V1E1 protein (p.Val114Glu). This variant is not present in population databases (gnomAD no frequency). This variant has not been reported in the literature in individuals affected with ATP6V1E1-related conditions. ClinVar contains an entry for this variant (Variation ID: 2753561). An algorithm developed to predict the effect of missense changes on protein structure and function (PolyPhen-2) suggests that this variant is likely to be tolerated. In summary, the available evidence is currently insufficient to determine the role of this variant in disease. Therefore, it has been classified as a Variant of Uncertain Significance.

NM_001696.4(ATP6V1E1):c.341T>A (p.Val114Glu)

Gene: ATP6V1E1 (ATPase H+ transporting V1 subunit E1; minus strand). Cytogenetic location: 22q11.21.
Variant type: single nucleotide variant.
Coding change: c.341T>A on transcript NM_001696.4 (MANE Select); coding-DNA position 341, T replaced by A.
Protein change: p.Val114Glu; replaces valine 114 with glutamic acid.
Molecular consequence: missense variant. On other transcripts: intron variant (1).
Genome position (GRCh38, 1-based): chr22:17,601,117, A>T on the plus strand (T>A on the coding strand, the complement: ATP6V1E1 is on the minus strand). VCF-style: chr22-17601117-A-T. GRCh37 (hg19) VCF-style: chr22-18083883-A-T.
Other names: c.275T>A, p.Val92Glu (NM_001039366.1); c.277-1022T>A (NM_001039367.1); short protein forms V114E, V92E.
Identifiers: ClinVar variation 2753561 (VCV002753561.3), dbSNP rs1490168998, ClinGen allele CA410239643.
Genomic context (GRCh38, chr22:17,601,117, plus strand): 5'-TGGCTATCAACAGTAGATCTGGTCTATGAGGGTACCTGGAGAACCAGTCCATCCAGCAGC[A>T]CTTGGTACCTGGTTGTATCTTTTACCACCTTGCTGAGTCTCTGTTTTGCTTCATTTAGTA-3'
Protein context (NP_001687.1, residues 104-124): KVVKDTTRYQ[Val114Glu]LLDGLVLQGL